The following is an entry in ClinVar:

NM_000051.4(ATM):c.6198+3A>G

Genes: ATM (ATM serine/threonine kinase; plus strand), C11orf65 (chromosome 11 open reading frame 65; minus strand). Cytogenetic location: 11q22.3.
Variant type: single nucleotide variant.
Coding change: c.6198+3A>G on transcript NM_000051.4 (MANE Select); 3 bases into the intron after coding-DNA position 6198, A replaced by G.
Molecular consequence: intron variant.
Genome position (GRCh38, 1-based): chr11:108,316,116, A>G. VCF-style: chr11-108316116-A-G. GRCh37 (hg19) VCF-style: chr11-108186843-A-G.
Other names: c.6198+3A>G (NM_001351834.2); c.641-7045T>C (NM_001330368.2); c.*39-7045T>C (NM_001351110.2).
Identifiers: ClinVar variation 185332 (VCV000185332.70), dbSNP rs786202092, ClinGen allele CA191660.

ClinVar aggregate classification (germline): Conflicting classifications of pathogenicity. Review status: criteria provided, conflicting classifications (1 of 4 stars). 8 submissions from 8 submitters: Pathogenic (2); Likely pathogenic (1); Uncertain significance (4). 1 of the submissions does not count toward it. Last evaluated 2026-01-05.

Conditions:
Hereditary cancer-predisposing syndrome. Also called: Hereditary Cancer Syndrome; Tumor predisposition; Neoplastic Syndromes, Hereditary; Hereditary neoplastic syndrome. Identifiers: Orphanet 140162, MedGen C0027672, MeSH D009386, MONDO:0015356.
Familial cancer of breast. Also called: hereditary breast carcinoma; BREAST CANCER, FAMILIAL; Hereditary breast cancer. Identifiers: Orphanet 227535, MedGen C0346153, MONDO:0016419, OMIM 114480. Disease mechanism: loss of function.
Ataxia-telangiectasia syndrome (AT). Also called: ATAXIA-TELANGIECTASIA, COMPLEMENTATION GROUP A; ATAXIA-TELANGIECTASIA, FRESNO VARIANT; Ataxia-telangiectasia; Ataxia-telangiectasia, complementation group E; Cerebello-oculocutaneous telangiectasia; Immunodeficiency with ataxia telangiectasia. Identifiers: Orphanet 100, MedGen C0004135, MONDO:0008840, OMIM 208900.
Malignant tumor of breast. Also called: Malignant breast neoplasm; Cancer breast. Identifiers: MedGen C0006142, MONDO:0007254. Disease mechanism: loss of function.

Allele frequency attached by ClinVar (database versions not stated): gnomAD exomes below 0.00001; TOPMed below 0.00001.
gnomAD v4.1: 1 of 1,613,540 alleles (0.000062%); highest among the groups gnomAD compares: Non-Finnish European, 0.000085%; no homozygotes.

Submissions (8):

Labcorp Genetics (formerly Invitae), Labcorp
Classification: Pathogenic for Ataxia-telangiectasia syndrome. Last evaluated: 2026-01-05. Review status: criteria provided, single submitter. Criteria: Invitae Variant Classification Sherloc (09022015). Collection method: clinical testing. Allele origin: germline.
Comment: This sequence change falls in intron 42 of the ATM gene. It does not directly change the encoded amino acid sequence of the ATM protein. RNA analysis indicates that this variant induces altered splicing and may result in an absent or altered protein product. This variant is present in population databases (rs786202092, gnomAD 0.0009%). This variant has not been reported in the literature in individuals affected with ATM-related conditions. ClinVar contains an entry for this variant (Variation ID: 185332). Variants that disrupt the consensus splice site are a relatively common cause of aberrant splicing (PMID: 17576681, 9536098). Studies have shown that this variant results in skipping of exon 42, and produces a non-functional protein and/or introduces a premature termination codon (internal data). For these reasons, this variant has been classified as Pathogenic.

Women's Health and Genetics/Laboratory Corporation of America, LabCorp
Classification: Pathogenic for Malignant tumor of breast. Last evaluated: 2025-02-18. Review status: criteria provided, single submitter. Criteria: LabCorp Variant Classification Summary - May 2015. Collection method: clinical testing. Allele origin: germline.
Comment: Variant summary: ATM c.6198+3A>G alters a conserved nucleotide located close to a canonical splice site and therefore could affect mRNA splicing, leading to a significantly altered protein sequence. Several computational tools predict a significant impact on normal splicing: Three predict the variant weakens a 5' donor site. One predicts the variant strengthens a cryptic 5' donor site. One predicts the variant strengthens a cryptic 3' acceptor site. Internal RNA splicing studies from 2 independent samples indicate that this variant affects mRNA splicing by skipping exon 42, which is expected to result in nonsense mediated decay (Labcorp Genetics (formerly Invitae)). The variant allele was found at a frequency of 4e-06 in 250976 control chromosomes. To our knowledge, no occurrence of c.6198+3A>G in individuals affected with ATM-related conditions has been reported. ClinVar contains an entry for this variant (Variation ID: 185332). Based on the evidence outlined above, the variant was classified as pathogenic.

Ambry Genetics
Classification: Likely pathogenic for Hereditary cancer-predisposing syndrome. Last evaluated: 2025-01-22. Review status: criteria provided, single submitter. Criteria: Ambry Variant Classification Scheme 2023. Collection method: clinical testing. Allele origin: germline.
Comment: The c.6198+3A>G intronic variant results from an A to G substitution 3 nucleotides after coding exon 41 in the ATM gene. This nucleotide position is not well conserved in available vertebrate species. RNA studies have demonstrated that this alteration results in abnormal splicing in the set of samples tested (Ambry internal data). This variant is considered to be rare based on population cohorts in the Genome Aggregation Database (gnomAD). Based on the majority of available evidence to date, this variant is likely to be pathogenic.

Quest Diagnostics Nichols Institute San Juan Capistrano
Classification: Uncertain significance. Last evaluated: 2024-04-19. Review status: criteria provided, single submitter. Criteria: Quest Diagnostics criteria. Collection method: clinical testing. Allele origin: unknown.

Baylor Genetics
Classification: Uncertain significance for Familial cancer of breast. Last evaluated: 2023-10-01. Review status: criteria provided, single submitter. Criteria: ACMG Guidelines, 2015. Collection method: clinical testing. Allele origin: unknown.

Color Diagnostics, LLC DBA Color Health
Classification: Uncertain significance for Hereditary cancer-predisposing syndrome. Last evaluated: 2023-02-02. Review status: criteria provided, single submitter. Criteria: ACMG Guidelines, 2015. Collection method: clinical testing. Allele origin: germline.
Comment: This variant causes an A to G nucleotide substitution at the +3 position of intron 42 of the ATM gene. Splice site prediction tools are inconclusive regarding the impact of this variant on RNA splicing. This variant has been reported to impact RNA splicing by an external laboratory, however, detailed data are not available for review (ClinVar SCV000215405.6). This variant has not been reported in individuals affected with ATM-related disorders in the literature. This variant has been identified in 1/250976 chromosomes in the general population by the Genome Aggregation Database (gnomAD). The available evidence is insufficient to determine the role of this variant in disease conclusively. Therefore, this variant is classified as a Variant of Uncertain Significance.

GeneDx
Classification: Uncertain significance. Last evaluated: 2016-08-08. Review status: criteria provided, single submitter. Criteria: GeneDx Variant Classification (06012015). Collection method: clinical testing. Allele origin: germline. Affected: yes.
Comment: This variant is denoted ATM c.6198+3A>G or IVS42+3A>G and consists of an A>G nucleotide substitution at the +3 position of intron 42 of the ATM gene. Multiple in silico models predict this variant to destroy the nearby natural donor site and to possibly cause abnormal gene splicing; however, in the absence of RNA or functional studies, the actual effect of this variant is unknown. This variant has not, to our knowledge, been published in the literature as pathogenic or benign. ATM c.6198+3A>G was not observed in approximately 6,500 individuals of European and African American ancestry in the NHLBI Exome Sequencing Project, suggesting it is not a common benign variant in these populations. The adenine (A) nucleotide that is altered is not conserved across species. Based on currently available information, it is unclear whether ATM c.6198+3A>G is pathogenic or benign. We consider it to be a variant of uncertain significance.

Natera, Inc.
Classification: Uncertain significance for Ataxia-telangiectasia. Last evaluated: 2020-03-16. Review status: no assertion criteria provided. Collection method: clinical testing. Allele origin: germline. Not counted in ClinVar's aggregate classification.

Literature cited by the submitters: PubMed 17576681 (cited by Labcorp Genetics (formerly Invitae), Labcorp); PubMed 9536098 (cited by Labcorp Genetics (formerly Invitae), Labcorp).